The following is an entry in ClinVar:

NM_000784.4(CYP27A1):c.968G>A (p.Arg323Gln)

Gene: CYP27A1 (cytochrome P450 family 27 subfamily A member 1; plus strand). Cytogenetic location: 2q35.
Variant type: single nucleotide variant.
Coding change: c.968G>A on transcript NM_000784.4 (MANE Select); coding-DNA position 968, G replaced by A.
Protein change: p.Arg323Gln; replaces arginine 323 with glutamine.
Molecular consequence: missense variant.
Genome position (GRCh38, 1-based): chr2:218,813,047, G>A. VCF-style: chr2-218813047-G-A. GRCh37 (hg19) VCF-style: chr2-219677770-G-A.
Other names: short protein forms R323Q.
Identifiers: ClinVar variation 1299914 (VCV001299914.22), dbSNP rs769640126, ClinGen allele CA2112765.
Genomic context (GRCh38, chr2:218,813,047, plus strand): 5'-ATGGCATCCAGGTGTCTGGCTACCTGCACTTCTTACTGGCCAGTGGACAGCTCAGTCCTC[G>A]GGAGGCCATGGGCAGCCTGCCTGAGCTGCTCATGGCTGGAGTGGACACGGTGCGTGAAGG-3'
Protein context (NP_000775.1, residues 313-333): FLLASGQLSP[Arg323Gln]EAMGSLPELL

ClinVar aggregate classification (germline): Uncertain significance. Review status: criteria provided, multiple submitters, no conflicts (2 of 4 stars). 5 submissions from 5 submitters: Uncertain significance (3). 2 of the submissions do not count toward it. Last evaluated 2024-09-01.

Conditions:
Cholestanol storage disease (CTX). Also called: Cerebrotendinous Xanthomatosis; CEREBRAL CHOLESTERINOSIS; CTX: Cerebrotendinous xanthomatosis. Identifiers: Orphanet 909, MedGen C0238052, MONDO:0008948, OMIM 213700.

Allele frequency attached by ClinVar (database versions not stated): ExAC 0.00001; gnomAD 0.00001; TOPMed 0.00001.

Submissions (5):

CeGaT Center for Human Genetics Tuebingen
Classification: Uncertain significance. Last evaluated: 2024-09-01. Review status: criteria provided, single submitter. Criteria: CeGaT Center For Human Genetics Tuebingen Variant Classification Criteria Version 2. Collection method: clinical testing. Allele origin: germline. Affected: yes. Observed: 1 variant allele.
Comment: CYP27A1: PM2, BP4

Labcorp Genetics (formerly Invitae), Labcorp
Classification: Uncertain significance for Cholestanol storage disease. Last evaluated: 2022-03-15. Review status: criteria provided, single submitter. Criteria: Invitae Variant Classification Sherloc (09022015). Collection method: clinical testing. Allele origin: germline.
Comment: This sequence change replaces arginine, which is basic and polar, with glutamine, which is neutral and polar, at codon 323 of the CYP27A1 protein (p.Arg323Gln). This variant is present in population databases (rs769640126, gnomAD no frequency). This variant has not been reported in the literature in individuals affected with CYP27A1-related conditions. ClinVar contains an entry for this variant (Variation ID: 1299914). Advanced modeling of protein sequence and biophysical properties (such as structural, functional, and spatial information, amino acid conservation, physicochemical variation, residue mobility, and thermodynamic stability) performed at Invitae indicates that this missense variant is not expected to disrupt CYP27A1 protein function. In summary, the available evidence is currently insufficient to determine the role of this variant in disease. Therefore, it has been classified as a Variant of Uncertain Significance.

Fulgent Genetics
Classification: Uncertain significance for Cholestanol storage disease. Last evaluated: 2021-09-01. Review status: criteria provided, single submitter. Criteria: ACMG Guidelines, 2015. Collection method: clinical testing. Allele origin: unknown.

Clinical Genetics DNA and cytogenetics Diagnostics Lab, Erasmus MC, Erasmus Medical Center
Classification: Likely benign. Review status: no assertion criteria provided. Collection method: clinical testing. Allele origin: germline. Affected: yes. Study: VKGL Data-share Consensus. Not counted in ClinVar's aggregate classification.

Clinical Genetics, Academic Medical Center
Classification: Likely benign. Review status: no assertion criteria provided. Collection method: clinical testing. Allele origin: germline. Affected: yes. Study: VKGL Data-share Consensus. Not counted in ClinVar's aggregate classification.